The following is an entry in ClinVar:

NM_001127511.3(APC):c.74G>C (p.Trp25Ser)

Gene: APC (APC regulator of Wnt signaling pathway; plus strand). Cytogenetic location: 5q22.2.
Variant type: single nucleotide variant.
Coding change: c.74G>C on transcript NM_001127511.3; coding-DNA position 74, G replaced by C.
Protein change: p.Trp25Ser; replaces tryptophan 25 with serine.
Molecular consequence: missense variant. On other transcripts: 5 prime UTR variant (8), non-coding transcript variant (1), intron variant (5).
Genome position (GRCh38, 1-based): chr5:112,707,791, G>C. VCF-style: chr5-112707791-G-C. GRCh37 (hg19) VCF-style: chr5-112043488-G-C.
Other names: c.-110G>C (NM_001354895.2, NM_001407447.1, NM_001407452.1 and 3 more transcripts); c.74G>C, p.Trp25Ser (NM_001354897.2, NM_001354902.2, NM_001407446.1); c.-1145G>C (NM_001407470.1, NM_001407472.1); c.-19+142G>C (NM_001407448.1, NM_001407450.1, NM_001407457.1 and 1 more transcripts); c.-43+142G>C (NM_001407453.1); short protein forms W25S.
Identifiers: ClinVar variation 1492941 (VCV001492941.6), dbSNP rs1554060285, ClinGen allele CA360611861.
Genomic context (GRCh38, chr5:112,707,791, plus strand): 5'-TGGGCTCGGGTCCGGTCGCCCCTTTGCCCGCTTCTGTACCACCCTCAGTTCTCGGGTCCT[G>C]GAGCACCGGCGGCAGCAGGAGCTGCGTCCGGCAGGAGACGAAGAGCCCGGGCGGCGCTCG-3'

ClinVar aggregate classification (germline): Uncertain significance (1 of 4 stars; one submission).

Conditions:
Familial adenomatous polyposis 1 (FAP1). Also called: FAMILIAL ADENOMATOUS POLYPOSIS 1, ATTENUATED; POLYPOSIS, ADENOMATOUS INTESTINAL. Identifiers: MedGen C2713442, MONDO:0021056, OMIM 175100. Disease mechanism: loss of function.

Submission:

Labcorp Genetics (formerly Invitae), Labcorp
Classification: Uncertain significance for Familial adenomatous polyposis 1. Last evaluated: 2026-01-21. Review status: criteria provided, single submitter. Criteria: Invitae Variant Classification Sherloc (09022015). Collection method: clinical testing. Allele origin: germline.
Comment: This variant occurs in the APC gene, which encodes an RNA molecule that does not result in a protein product. This variant is not present in population databases (gnomAD no frequency). This variant has not been reported in the literature in individuals affected with APC-related conditions. Experimental studies and prediction algorithms are not available or were not evaluated, and the functional significance of this variant is currently unknown. In summary, the available evidence is currently insufficient to determine the role of this variant in disease. Therefore, it has been classified as a Variant of Uncertain Significance.